The following is an entry in ClinVar:

NM_032119.4(ADGRV1):c.14693T>C (p.Met4898Thr)

Gene: ADGRV1 (adhesion G protein-coupled receptor V1; plus strand). Cytogenetic location: 5q14.3.
Variant type: single nucleotide variant.
Coding change: c.14693T>C on transcript NM_032119.4 (MANE Select); coding-DNA position 14693, T replaced by C.
Protein change: p.Met4898Thr; replaces methionine 4898 with threonine.
Molecular consequence: missense variant. On other transcripts: non-coding transcript variant (1).
Genome position (GRCh38, 1-based): chr5:90,805,315, T>C. VCF-style: chr5-90805315-T-C. GRCh37 (hg19) VCF-style: chr5-90101132-T-C.
Other names: short protein forms M4898T.
Identifiers: ClinVar variation 938791 (VCV000938791.7), dbSNP rs555927844, ClinGen allele CA3341792.

ClinVar aggregate classification (germline): Uncertain significance (1 of 4 stars; one submission).

Allele frequency attached by ClinVar (database versions not stated): gnomAD exomes below 0.00001; ExAC 0.00001; gnomAD 0.00001.
gnomAD v4.1: 7 of 1,612,900 alleles (0.00043%); highest among the groups gnomAD compares: Admixed American, 0.0033%; no homozygotes.

Submission:

Labcorp Genetics (formerly Invitae), Labcorp
Classification: Uncertain significance. Last evaluated: 2022-10-13. Review status: criteria provided, single submitter. Criteria: Invitae Variant Classification Sherloc (09022015). Collection method: clinical testing. Allele origin: germline.
Comment: ClinVar contains an entry for this variant (Variation ID: 938791). This variant has not been reported in the literature in individuals affected with ADGRV1-related conditions. This variant is present in population databases (rs555927844, gnomAD 0.003%). This sequence change replaces methionine, which is neutral and non-polar, with threonine, which is neutral and polar, at codon 4898 of the ADGRV1 protein (p.Met4898Thr). Advanced modeling of protein sequence and biophysical properties (such as structural, functional, and spatial information, amino acid conservation, physicochemical variation, residue mobility, and thermodynamic stability) performed at Invitae indicates that this missense variant is not expected to disrupt ADGRV1 protein function. In summary, the available evidence is currently insufficient to determine the role of this variant in disease. Therefore, it has been classified as a Variant of Uncertain Significance.